The following is an entry in ClinVar:

NM_002181.4(IHH):c.472C>T (p.Arg158Cys)

Gene: IHH (Indian hedgehog signaling molecule; minus strand). Cytogenetic location: 2q35.
Variant type: single nucleotide variant.
Coding change: c.472C>T on transcript NM_002181.4 (MANE Select); coding-DNA position 472, C replaced by T.
Protein change: p.Arg158Cys; replaces arginine 158 with cysteine.
Molecular consequence: missense variant.
Genome position (GRCh38, 1-based): chr2:219,057,538, G>A on the plus strand (C>T on the coding strand, the complement: IHH is on the minus strand). VCF-style: chr2-219057538-G-A. GRCh37 (hg19) VCF-style: chr2-219922260-G-A.
Other names: c.472C>T (NM_002181.3); short protein forms R158C.
Identifiers: ClinVar variation 2203265 (VCV002203265.7), dbSNP rs2469514264, ClinGen allele CA350634634.

ClinVar aggregate classification (germline): Pathogenic/Likely pathogenic. Review status: criteria provided, multiple submitters, no conflicts (2 of 4 stars). 2 submissions from 2 submitters: Pathogenic (1); Likely pathogenic (1). Last evaluated 2024-02-08.

Submissions (2):

Revvity Omics, Revvity
Classification: Likely pathogenic. Last evaluated: 2024-02-08. Review status: criteria provided, single submitter. Criteria: ACMG Guidelines, 2015. Collection method: clinical testing. Allele origin: germline.

Labcorp Genetics (formerly Invitae), Labcorp
Classification: Pathogenic. Last evaluated: 2022-09-29. Review status: criteria provided, single submitter. Criteria: Invitae Variant Classification Sherloc (09022015). Collection method: clinical testing. Allele origin: germline.
Comment: This missense change has been observed in individual(s) with autosomal dominant brachydactyly (PMID: 19464397). It has also been observed to segregate with disease in related individuals. For these reasons, this variant has been classified as Pathogenic. Advanced modeling of protein sequence and biophysical properties (such as structural, functional, and spatial information, amino acid conservation, physicochemical variation, residue mobility, and thermodynamic stability) performed at Invitae indicates that this missense variant is expected to disrupt IHH protein function. This variant is not present in population databases (gnomAD no frequency). This sequence change replaces arginine, which is basic and polar, with cysteine, which is neutral and slightly polar, at codon 158 of the IHH protein (p.Arg158Cys).

Literature cited by the submitters: PubMed 19464397 (cited by Labcorp Genetics (formerly Invitae), Labcorp).